The following is an entry in ClinVar:

NM_001184.4(ATR):c.7174A>G (p.Lys2392Glu)

Gene: ATR (ATR checkpoint kinase; minus strand). Cytogenetic location: 3q23.
Variant type: single nucleotide variant.
Coding change: c.7174A>G on transcript NM_001184.4 (MANE Select); coding-DNA position 7174, A replaced by G.
Protein change: p.Lys2392Glu; replaces lysine 2392 with glutamic acid.
Molecular consequence: missense variant.
Genome position (GRCh38, 1-based): chr3:142,461,958, T>C on the plus strand (A>G on the coding strand, the complement: ATR is on the minus strand). VCF-style: chr3-142461958-T-C. GRCh37 (hg19) VCF-style: chr3-142180800-T-C.
Other names: c.6982A>G, p.Lys2328Glu (NM_001354579.2); short protein forms K2328E, K2392E.
Identifiers: ClinVar variation 1757485 (VCV001757485.2), dbSNP rs1287616960, ClinGen allele CA354799144.

ClinVar aggregate classification (germline): Uncertain significance (1 of 4 stars; one submission).

Conditions:
Inborn genetic diseases. Identifiers: MedGen C0950123, MeSH D030342.

Submission:

Ambry Genetics
Classification: Uncertain significance for Inborn genetic diseases. Last evaluated: 2022-03-19. Review status: criteria provided, single submitter. Criteria: Ambry Variant Classification Scheme 2023. Collection method: clinical testing. Allele origin: germline.
Comment: The p.K2392E variant (also known as c.7174A>G), located in coding exon 42 of the ATR gene, results from an A to G substitution at nucleotide position 7174. The lysine at codon 2392 is replaced by glutamic acid, an amino acid with similar properties. This amino acid position is conserved. In addition, the in silico prediction for this alteration is inconclusive. Since supporting evidence is limited at this time, the clinical significance of this alteration remains unclear.